The following is an entry in ClinVar:

ClinVar aggregate classification (germline): Uncertain significance. Review status: criteria provided, single submitter (1 of 4 stars). 2 submissions from 2 submitters: Uncertain significance (1). 1 of the submissions does not count toward it. Last evaluated 2018-07-26.

Conditions:
Microcephaly, normal intelligence and immunodeficiency (NBS). Also called: IMMUNODEFICIENCY, MICROCEPHALY, AND CHROMOSOMAL INSTABILITY; Immunodeficiency, microcephaly with normal intelligence; SEEMANOVA SYNDROME II; Ataxia telangiectasia variant V1; Microcephaly with normal intelligence immunodeficiency and lymphoreticular malignancies; Nonsyndromal microcephaly autosomal recessive with normal intelligence. Identifiers: Orphanet 647, MedGen C0398791, MONDO:0009623, OMIM 251260.

gnomAD v4.1: 2 of 1,613,176 alleles (0.00012%); no homozygotes.

Submissions (2):

Labcorp Genetics (formerly Invitae), Labcorp
Classification: Uncertain significance for Microcephaly, normal intelligence and immunodeficiency. Last evaluated: 2018-07-26. Review status: criteria provided, single submitter. Criteria: Invitae Variant Classification Sherloc (09022015). Collection method: clinical testing. Allele origin: germline.
Comment: This variant has not been reported in the literature in individuals with NBN-related disease. This sequence change replaces threonine with isoleucine at codon 599 of the NBN protein (p.Thr599Ile). The threonine residue is weakly conserved and there is a moderate physicochemical difference between threonine and isoleucine. This variant is not present in population databases (ExAC no frequency). Algorithms developed to predict the effect of missense changes on protein structure and function (SIFT, PolyPhen-2, Align-GVGD) all suggest that this variant is likely to be tolerated, but these predictions have not been confirmed by published functional studies and their clinical significance is uncertain. In summary, the available evidence is currently insufficient to determine the role of this variant in disease. Therefore, it has been classified as a Variant of Uncertain Significance.

Natera, Inc.
Classification: Uncertain significance for Nijmegen breakage syndrome. Last evaluated: 2020-08-06. Review status: no assertion criteria provided. Collection method: clinical testing. Allele origin: germline. Not counted in ClinVar's aggregate classification.

NM_002485.5(NBN):c.1796C>T (p.Thr599Ile)

Gene: NBN (nibrin; minus strand). Cytogenetic location: 8q21.3.
Variant type: single nucleotide variant.
Coding change: c.1796C>T on transcript NM_002485.5 (MANE Select); coding-DNA position 1796, C replaced by T.
Protein change: p.Thr599Ile; replaces threonine 599 with isoleucine.
Molecular consequence: missense variant.
Genome position (GRCh38, 1-based): chr8:89,953,293, G>A on the plus strand (C>T on the coding strand, the complement: NBN is on the minus strand). VCF-style: chr8-89953293-G-A. GRCh37 (hg19) VCF-style: chr8-90965521-G-A.
Other names: c.1550C>T, p.Thr517Ile (NM_001024688.3); short protein forms T517I, T599I.
Identifiers: ClinVar variation 643648 (VCV000643648.12), dbSNP rs775848374, ClinGen allele CA371655070.